The following is an entry in ClinVar:

ClinVar aggregate classification (germline): Uncertain significance (1 of 4 stars; one submission).

Conditions:
Inborn genetic diseases. Identifiers: MedGen C0950123, MeSH D030342.

Submission:

Ambry Genetics
Classification: Uncertain significance for Inborn genetic diseases. Last evaluated: 2022-11-25. Review status: criteria provided, single submitter. Criteria: Ambry Variant Classification Scheme 2023. Collection method: clinical testing. Allele origin: germline.
Comment: The p.K1385T variant (also known as c.4154A>C), located in coding exon 29 of the LRRK2 gene, results from an A to C substitution at nucleotide position 4154. The lysine at codon 1385 is replaced by threonine, an amino acid with similar properties. This amino acid position is conserved. In addition, this alteration is predicted to be tolerated by in silico analysis. Since supporting evidence is limited at this time, the clinical significance of this alteration remains unclear.

NM_198578.4(LRRK2):c.4154A>C (p.Lys1385Thr)

Gene: LRRK2 (leucine rich repeat kinase 2; plus strand). Cytogenetic location: 12q12.
Variant type: single nucleotide variant.
Coding change: c.4154A>C on transcript NM_198578.4 (MANE Select); coding-DNA position 4154, A replaced by C.
Protein change: p.Lys1385Thr; replaces lysine 1385 with threonine.
Molecular consequence: missense variant.
Genome position (GRCh38, 1-based): chr12:40,308,661, A>C. VCF-style: chr12-40308661-A-C. GRCh37 (hg19) VCF-style: chr12-40702463-A-C.
Other names: short protein forms K1385T.
Identifiers: ClinVar variation 2453026 (VCV002453026.2), dbSNP rs879168072, ClinGen allele CA235353939.